The following is an entry in ClinVar:

ClinVar aggregate classification (germline): Pathogenic (0 of 4 stars; one submission).

Submission:

Quest Diagnostics Nichols Institute San Juan Capistrano
Classification: Pathogenic. Last evaluated: 2021-05-01. Review status: no assertion criteria provided. Collection method: clinical testing. Allele origin: germline.
Comment: The copy number loss of 2q13 involves multiple genes, including BCL2L11, and has been reported as a risk factor for variable abnormal phenotypes including developmental delay, autism spectrum disorder, short stature, and dysmorphic features, such as abnormal head size, prominent forehead, and dental anomalies (Riley KN, et al., Am J Med Genet A. 2015 Nov;167A(11):2664-73. PMID: 26227573; Hladilkova E, et al., Mol Cytogenet. 2015 Jul 31;8:57, PMID: 26236398; Yu, et al., Clin Genet. 2012 Mar;81(3):257-64. PMID: 21255006; Cooper et al., Nat Genet. 2011, 43:838-46. PMID: 21841781). The loss of candidate genes FBLN7 and TMEM87B is associated with congenital heart defects, and loss of the FBLN7 gene may lead to craniofacial malformations (Russell, et al., Hum Mol Genet. 2014 Aug 15;23(16):4272-84. PMID: 24694933). This deletion is significantly enriched in the clinical population (Coe et al., Nat Genet 2014, 46:1063-71. PMID: 25217958). Variable expressivity and reduced penetrance were frequently observed in patients with 2q13 deletion.

GRCh37/hg19 2q13(chr2:111366255-113111856)x1

Genes: MERTK (MER proto-oncogene, tyrosine kinase; plus strand), TMEM87B (transmembrane protein 87B; plus strand), ZC3H6 (zinc finger CCCH-type containing 6; plus strand), ANAPC1 (anaphase promoting complex subunit 1; minus strand), BCL2L11 (BCL2 like 11; plus strand) and 4 more. Cytogenetic location: 2q13.
Variant type: copy number loss.
Change: copy number 1 (one copy instead of two) of chr2:111,366,255-113,111,856 (1.75 Mb, GRCh37 coordinates, 1-based), cytogenetic band 2q13.
Identifiers: ClinVar variation 562650 (VCV000562650.4).